The following is an entry in ClinVar:

ClinVar aggregate classification (germline): Uncertain significance. Review status: reviewed by expert panel (3 of 4 stars). 2 submissions from 2 submitters: Uncertain significance (1). 1 of the submissions does not count toward it. Last evaluated 2024-07-03.

Conditions:
Hereditary antithrombin deficiency (AT3D). Also called: Antithrombin deficiency; Thrombophilia due to antithrombin III deficiency; Antithrombin III deficiency; Reduced antithrombin III activity. Identifiers: Orphanet 82, MedGen C0272375, MONDO:0013144, OMIM 613118, HP:0001976.

Submissions (2):

Clingen Thrombosis Variant Curation Expert Panel, ClinGen
Classification: Uncertain significance for Hereditary antithrombin deficiency. Last evaluated: 2024-07-03. Review status: reviewed by expert panel. Criteria: ClinGen ACMG Specifications SERPINC1 V1.0.0. Collection method: curation. Allele origin: germline. Inheritance: Autosomal dominant inheritance.
Comment: The c.592T>C variant in SERPINC1 is a missense variant predicted to cause substitution of tyrosine by histidine at amino acid 198 (p.Tyr198His). This variant is absent from gnomAD v2.1.1 and 3.1.2 (PM2_Supporting). The computational predictor REVEL gives a score of 0.908, which is above the threshold of 0.6, evidence that correlates with impact to SERPINC1 function (PP3). In summary, this variant meets the criteria to be classified as uncertain significance due to insufficient evidence for autosomal dominant hereditary antithrombin deficiency based on the ACMG/AMP criteria applied, as specified by the ClinGen Thrombosis VCEP: PP3, PM2_Supporting. (ClinGen Thrombosis Expert Panel Specifications to the ACMG/AMP Variant Interpretation Guidelines for SERPINC1 Version 1.0.0; date of approval)

NIHR Bioresource Rare Diseases, University of Cambridge
Classification: Likely pathogenic for Hereditary antithrombin deficiency. Last evaluated: 2019-02-01. Review status: criteria provided, single submitter. Criteria: ACMG Guidelines, 2015. Collection method: research. Allele origin: unknown. Affected: yes. Observed: 1 heterozygote. Study: ThromboGenomics. Not counted in ClinVar's aggregate classification.

Literature cited by the submitters: PubMed 31064749 (cited by NIHR Bioresource Rare Diseases, University of Cambridge).

NM_000488.4(SERPINC1):c.592T>C (p.Tyr198His)

Gene: SERPINC1 (serpin family C member 1; minus strand). Cytogenetic location: 1q25.1.
Variant type: single nucleotide variant.
Coding change: c.592T>C on transcript NM_000488.4 (MANE Select); coding-DNA position 592, T replaced by C.
Protein change: p.Tyr198His; replaces tyrosine 198 with histidine.
Molecular consequence: missense variant. On other transcripts: intron variant (1).
Genome position (GRCh38, 1-based): chr1:173,911,831, A>G on the plus strand (T>C on the coding strand, the complement: SERPINC1 is on the minus strand). VCF-style: chr1-173911831-A-G. GRCh37 (hg19) VCF-style: chr1-173880969-A-G.
Other names: NM_000488.4(SERPINC1):c.592T>C; p.Tyr198His; c.448T>C, p.Tyr150His (NM_001365052.2); c.592T>C, p.Tyr198His (NM_001386302.1, NM_001386304.1, NM_001386305.1); c.673T>C, p.Tyr225His (NM_001386303.1); c.409-940T>C (NM_001386306.1); short protein forms Y198H, Y150H, Y225H.
Identifiers: ClinVar variation 627341 (VCV000627341.4), dbSNP rs1572090114, ClinGen allele CA343776228.